The following is an entry in ClinVar:

ClinVar aggregate classification (germline): Uncertain significance. Review status: criteria provided, multiple submitters, no conflicts (2 of 4 stars). 3 submissions from 3 submitters: Uncertain significance (3). Last evaluated 2023-03-31.

Allele frequency attached by ClinVar (database versions not stated): gnomAD exomes 0.00002 and 0.00005; ExAC 0.00005; gnomAD 0.00017 and 0.00020; TOPMed 0.00020; ESP Exome Variant Server 0.00023.
gnomAD v4.1: 59 of 1,613,846 alleles (0.0037%); highest among the groups gnomAD compares: African/African-American, 0.052%; no homozygotes.

Submissions (3):

GeneDx
Classification: Uncertain significance. Last evaluated: 2023-03-31. Review status: criteria provided, single submitter. Criteria: GeneDx Variant Classification Process June 2021. Collection method: clinical testing. Allele origin: germline. Affected: yes.
Comment: In silico analysis supports that this missense variant does not alter protein structure/function; Has not been previously published as pathogenic or benign to our knowledge

Labcorp Genetics (formerly Invitae), Labcorp
Classification: Uncertain significance. Last evaluated: 2022-06-17. Review status: criteria provided, single submitter. Criteria: Invitae Variant Classification Sherloc (09022015). Collection method: clinical testing. Allele origin: germline.
Comment: This sequence change replaces alanine, which is neutral and non-polar, with threonine, which is neutral and polar, at codon 2717 of the HSPG2 protein (p.Ala2717Thr). This variant is present in population databases (rs145524347, gnomAD 0.07%). This variant has not been reported in the literature in individuals affected with HSPG2-related conditions. ClinVar contains an entry for this variant (Variation ID: 993580). Algorithms developed to predict the effect of missense changes on protein structure and function output the following: SIFT: "Tolerated"; PolyPhen-2: "Benign"; Align-GVGD: "Class C0". The threonine amino acid residue is found in multiple mammalian species, which suggests that this missense change does not adversely affect protein function. In summary, the available evidence is currently insufficient to determine the role of this variant in disease. Therefore, it has been classified as a Variant of Uncertain Significance.

ARUP Laboratories, Molecular Genetics and Genomics, ARUP Laboratories
Classification: Uncertain significance. Last evaluated: 2019-08-02. Review status: criteria provided, single submitter. Criteria: ARUP Molecular Germline Variant Investigation Process. Collection method: clinical testing. Allele origin: germline.
Comment: The HSPG2 c.8149G>A; p.Ala2717Thr variant (rs145524347), to our knowledge, is not reported in the medical literature or gene specific databases. This variant is found in the African population with an allele frequency of 0.06% (16/24946 alleles) in the Genome Aggregation Database. The alanine at codon 2717 is weakly conserved, and computational analyses (SIFT, PolyPhen-2) predict that this variant is tolerated. Due to limited information, the clinical significance of the p.Ala2717Thr variant is uncertain at this time.

NM_005529.7(HSPG2):c.8149G>A (p.Ala2717Thr)

Gene: HSPG2 (heparan sulfate proteoglycan 2; minus strand). Cytogenetic location: 1p36.12.
Variant type: single nucleotide variant.
Coding change: c.8149G>A on transcript NM_005529.7 (MANE Select); coding-DNA position 8149, G replaced by A.
Protein change: p.Ala2717Thr; replaces alanine 2717 with threonine.
Molecular consequence: missense variant.
Genome position (GRCh38, 1-based): chr1:21,847,369, C>T on the plus strand (G>A on the coding strand, the complement: HSPG2 is on the minus strand). VCF-style: chr1-21847369-C-T. GRCh37 (hg19) VCF-style: chr1-22173862-C-T.
Other names: c.8152G>A, p.Ala2718Thr (NM_001291860.2); c.8149G>A (NM_005529.5); short protein forms A2717T, A2718T.
Identifiers: ClinVar variation 993580 (VCV000993580.14), dbSNP rs145524347, ClinGen allele CA670912.
Genomic context (GRCh38, chr1:21,847,369, plus strand): 5'-AACACTGTTGCCTGCATCCCTCGTCCCTTTCCTAGGCAGACTCACCGGAGGGGCTGCCGG[C>T]GCTAGGGGAGACGGAGATGACGATGGAGGCCTCCAGGGCATCGATGTTGTTGTTGGCCCG-3'
Protein context (NP_005520.4, residues 2707-2727): ASIVISVSPS[Ala2717Thr]GSPSAPGSSM